The following is an entry in ClinVar:

NM_000059.4(BRCA2):c.10122C>T (p.Thr3374=)

Gene: BRCA2 (BRCA2 DNA repair associated; plus strand). Cytogenetic location: 13q13.1.
Variant type: single nucleotide variant.
Coding change: c.10122C>T on transcript NM_000059.4 (MANE Select); coding-DNA position 10122, C replaced by T.
Protein change: p.Thr3374=; no amino-acid change (threonine 3374 retained).
Molecular consequence: synonymous variant.
Genome position (GRCh38, 1-based): chr13:32,398,635, C>T. VCF-style: chr13-32398635-C-T. GRCh37 (hg19) VCF-style: chr13-32972772-C-T.
Identifiers: ClinVar variation 481602 (VCV000481602.18), dbSNP rs1555290048, ClinGen allele CA483440530.

ClinVar aggregate classification (germline): Likely benign. Review status: criteria provided, multiple submitters, no conflicts (2 of 4 stars). 5 submissions from 5 submitters: Likely benign (5). Last evaluated 2025-04-17.

Conditions:
Hereditary cancer-predisposing syndrome. Also called: Hereditary neoplastic syndrome; Neoplastic Syndromes, Hereditary; Tumor predisposition; Hereditary Cancer Syndrome. Identifiers: Orphanet 140162, MedGen C0027672, MeSH D009386, MONDO:0015356.
Hereditary breast ovarian cancer syndrome. Also called: Hereditary breast and ovarian cancer syndrome (HBOC); Breast and ovarian cancer; Hereditary breast and ovarian cancer syndrome; Hereditary breast and ovarian cancer; Hereditary breast and/or ovarian cancer syndrome; BRCA1- and BRCA2-Associated Hereditary Breast and Ovarian Cancer. Identifiers: Orphanet 145, MedGen C0677776, MeSH D061325, MONDO:0003582. Disease mechanism: loss of function.
Breast-ovarian cancer, familial, susceptibility to, 2 (BROVCA2). Also called: BRCA2 Hereditary Breast and Ovarian Cancer. Identifiers: Orphanet 145, MedGen C2675520, MONDO:0012933, OMIM 612555. Disease mechanism: loss of function.

Allele frequency attached by ClinVar (database versions not stated): gnomAD exomes below 0.00001.
gnomAD v4.1: 2 of 1,614,132 alleles (0.00012%); highest among the groups gnomAD compares: Non-Finnish European, 0.000085%; no homozygotes.

Submissions (5):

Labcorp Genetics (formerly Invitae), Labcorp
Classification: Likely benign for Hereditary breast ovarian cancer syndrome. Last evaluated: 2025-04-17. Review status: criteria provided, single submitter. Criteria: Invitae Variant Classification Sherloc (09022015). Collection method: clinical testing. Allele origin: germline.

All of Us Research Program, National Institutes of Health
Classification: Likely benign for Breast-ovarian cancer, familial, susceptibility to, 2. Last evaluated: 2023-12-15. Review status: criteria provided, single submitter. Criteria: ACMG Guidelines, 2015. Collection method: clinical testing. Allele origin: germline. Inheritance: Autosomal dominant inheritance. Observed: 1 variant allele, 1 heterozygote.
Comment: This study involves interpretation of variants in research participants for the purpose of population health screening. Participant phenotype was not available at the time of variant classification. Additional details can be found in publication PMID: 35346344, PMCID: PMC8962531

GeneDx
Classification: Likely benign. Last evaluated: 2018-04-13. Review status: criteria provided, single submitter. Criteria: GeneDx Variant Classification (06012015). Collection method: clinical testing. Allele origin: germline. Affected: yes.
Comment: This variant is considered likely benign or benign based on one or more of the following criteria: it is a conservative change, it occurs at a poorly conserved position in the protein, it is predicted to be benign by multiple in silico algorithms, and/or has population frequency not consistent with disease.

Color Diagnostics, LLC DBA Color Health
Classification: Likely benign for Hereditary cancer-predisposing syndrome. Last evaluated: 2017-11-21. Review status: criteria provided, single submitter. Criteria: ACMG Guidelines, 2015. Collection method: clinical testing. Allele origin: germline.

Ambry Genetics
Classification: Likely benign for Hereditary cancer-predisposing syndrome. Last evaluated: 2017-04-17. Review status: criteria provided, single submitter. Criteria: Ambry Variant Classification Scheme 2023. Collection method: clinical testing. Allele origin: germline.